The following is an entry in ClinVar:

NM_001110556.2(FLNA):c.1213G>T (p.Glu405Ter)

Gene: FLNA (filamin A; minus strand). Cytogenetic location: Xq28.
Variant type: single nucleotide variant.
Coding change: c.1213G>T on transcript NM_001110556.2 (MANE Select); coding-DNA position 1213, G replaced by T.
Protein change: p.Glu405Ter; replaces glutamic acid 405 with a stop codon.
Molecular consequence: nonsense.
Genome position (GRCh38, 1-based): chrX:154,366,323, C>A on the plus strand (G>T on the coding strand, the complement: FLNA is on the minus strand). VCF-style: chrX-154366323-C-A. GRCh37 (hg19) VCF-style: chrX-153594691-C-A.
Other names: c.1213G>T, p.Glu405Ter (NM_001456.4); short protein forms E405*.
Identifiers: ClinVar variation 2631318 (VCV002631318.1), dbSNP rs2522760708, ClinGen allele CA415244096.

ClinVar aggregate classification (germline): Likely pathogenic (1 of 4 stars; one submission).

Conditions:
FLNA-related disorder.

Submission:

PreventionGenetics, part of Exact Sciences
Classification: Likely pathogenic for FLNA-related condition. Last evaluated: 2023-07-27. Review status: criteria provided, single submitter. Criteria: ACMG Guidelines, 2015. Collection method: clinical testing. Allele origin: germline.
Comment: The FLNA c.1213G>T variant is predicted to result in premature protein termination (p.Glu405*). To our knowledge, this variant has not been reported in the literature or in a large population database, indicating this variant is rare. Nonsense variants in FLNA are expected to be pathogenic. This variant is interpreted as likely pathogenic.